The following is an entry in ClinVar:

ClinVar aggregate classification (germline): Likely benign (1 of 4 stars; one submission).

gnomAD v4.1: 70 of 1,604,072 alleles (0.0044%); highest among the groups gnomAD compares: African/African-American, 0.024%; no homozygotes.

Submission:

CeGaT Center for Human Genetics Tuebingen
Classification: Likely benign. Last evaluated: 2025-05-01. Review status: criteria provided, single submitter. Criteria: CeGaT Center For Human Genetics Tuebingen Variant Classification Criteria Version 2. Collection method: clinical testing. Allele origin: germline. Affected: yes. Observed: 1 variant allele.
Comment: JAZF1: BP4, BP7

NM_175061.4(JAZF1):c.702G>A (p.Ser234=)

Gene: JAZF1 (JAZF zinc finger 1; minus strand). Cytogenetic location: 7p15.2.
Variant type: single nucleotide variant.
Coding change: c.702G>A on transcript NM_175061.4 (MANE Select); coding-DNA position 702, G replaced by A.
Protein change: p.Ser234=; no amino-acid change (serine 234 retained).
Molecular consequence: synonymous variant.
Genome position (GRCh38, 1-based): chr7:27,832,830, C>T on the plus strand (G>A on the coding strand, the complement: JAZF1 is on the minus strand). VCF-style: chr7-27832830-C-T. GRCh37 (hg19) VCF-style: chr7-27872449-C-T.
Identifiers: ClinVar variation 3905149 (VCV003905149.10).
Genomic context (GRCh38, chr7:27,832,830, plus strand): 5'-GGATTTCTTGGCACAGTTATGACCAGCATGTTATTGCTGCATCTTCCTGATAATCTCAGC[C>T]GACACCGGGGGATGGAAATTGATTGTGTGGTGCCGCAGGCCCTGAGCTGTCTTGTAACTC-3'
Protein context (NP_778231.2, residues 224-243): HHTINFHPPV[Ser234=]AEIIRKMQQ